The following is an entry in ClinVar:

NM_016011.5(MECR):c.163G>C (p.Ala55Pro)

Gene: MECR (mitochondrial trans-2-enoyl-CoA reductase; minus strand). Cytogenetic location: 1p35.3.
Variant type: single nucleotide variant.
Coding change: c.163G>C on transcript NM_016011.5 (MANE Select); coding-DNA position 163, G replaced by C.
Protein change: p.Ala55Pro; replaces alanine 55 with proline.
Molecular consequence: missense variant. On other transcripts: 5 prime UTR variant (5), non-coding transcript variant (4).
Genome position (GRCh38, 1-based): chr1:29,230,744, C>G on the plus strand (G>C on the coding strand, the complement: MECR is on the minus strand). VCF-style: chr1-29230744-C-G. GRCh37 (hg19) VCF-style: chr1-29557256-C-G.
Other names: c.-193G>C (NM_001024732.4); c.-397G>C (NM_001349711.2); c.-398G>C (NM_001349712.2); c.-275G>C (NM_001349713.2); c.-187G>C (NM_001349714.2); c.163G>C, p.Ala55Pro (NM_001349715.2, NM_001349716.2); c.21G>C, p.Gln7His (NM_001349717.2); short protein forms A55P, Q7H.
Identifiers: ClinVar variation 1939631 (VCV001939631.2), dbSNP rs866785367, ClinGen allele CA339533377.

ClinVar aggregate classification (germline): Uncertain significance (1 of 4 stars; one submission).

Allele frequency attached by ClinVar (database versions not stated): gnomAD 0.00001.
gnomAD v4.1: 6 of 1,583,972 alleles (0.00038%); highest among the groups gnomAD compares: Non-Finnish European, 0.00051%; no homozygotes.

Submission:

Labcorp Genetics (formerly Invitae), Labcorp
Classification: Uncertain significance. Last evaluated: 2022-03-01. Review status: criteria provided, single submitter. Criteria: Invitae Variant Classification Sherloc (09022015). Collection method: clinical testing. Allele origin: germline.
Comment: This sequence change replaces alanine, which is neutral and non-polar, with proline, which is neutral and non-polar, at codon 55 of the MECR protein (p.Ala55Pro). The frequency data for this variant in the population databases is considered unreliable, as metrics indicate poor data quality at this position in the gnomAD database. This variant has not been reported in the literature in individuals affected with MECR-related conditions. Algorithms developed to predict the effect of missense changes on protein structure and function (SIFT, PolyPhen-2, Align-GVGD) all suggest that this variant is likely to be tolerated. In summary, the available evidence is currently insufficient to determine the role of this variant in disease. Therefore, it has been classified as a Variant of Uncertain Significance.